The following is an entry in ClinVar:

ClinVar aggregate classification (germline): Likely pathogenic (1 of 4 stars; one submission).

Conditions:
X-linked Alport syndrome (ATS1). Also called: NEPHROPATHY AND DEAFNESS, X-LINKED; COL4A5-Related Nephropathy. Identifiers: Orphanet 63, Orphanet 88917, MedGen C4746986, MONDO:0010520, OMIM 301050.

Submission:

MVZ Medizinische Genetik Mainz
Classification: Likely pathogenic for X-linked Alport syndrome. Last evaluated: 2024-10-15. Review status: criteria provided, single submitter. Criteria: UK Practice Guidelines For Variant Classification V4 01 2020. Collection method: clinical testing. Allele origin: germline. Inheritance: X-linked dominant inheritance. Observed: 1 variant allele.
Comment: ACMG Criteria: PM1_STR,PM5,PM2_SUP,PP3,PP4

NM_033380.3(COL4A5):c.3445G>A (p.Gly1149Ser)

Gene: COL4A5 (collagen type IV alpha 5 chain; plus strand). Cytogenetic location: Xq22.3.
Variant type: single nucleotide variant.
Coding change: c.3445G>A on transcript NM_033380.3 (MANE Select); coding-DNA position 3445, G replaced by A.
Protein change: p.Gly1149Ser; replaces glycine 1149 with serine.
Molecular consequence: missense variant.
Genome position (GRCh38, 1-based): chrX:108,665,578, G>A. VCF-style: chrX-108665578-G-A. GRCh37 (hg19) VCF-style: chrX-107908808-G-A.
Other names: c.3445G>A, p.Gly1149Ser (NM_000495.5); short protein forms G1149S.
Identifiers: ClinVar variation 3370330 (VCV003370330.1).